The following is an entry in ClinVar:

ClinVar aggregate classification (germline): Uncertain significance (1 of 4 stars; one submission).

Conditions:
Cardiovascular phenotype. Identifiers: MedGen CN230736.

gnomAD v4.1: 1 of 1,590,740 alleles (0.000063%); highest among the groups gnomAD compares: Admixed American, 0.0017%; no homozygotes.

Submission:

Ambry Genetics
Classification: Uncertain significance for Cardiovascular phenotype. Last evaluated: 2026-08-29. Review status: criteria provided, single submitter. Criteria: Ambry Variant Classification Scheme 2023. Collection method: clinical testing. Allele origin: germline.
Comment: The p.N686I variant (also known as c.2057A>T), located in coding exon 26 of the CACNA2D1 gene, results from an A to T substitution at nucleotide position 2057. The asparagine at codon 686 is replaced by isoleucine, an amino acid with dissimilar properties. This amino acid position is conserved. In addition, the in silico prediction for this alteration is inconclusive. Based on the available evidence, the clinical significance of this variant remains unclear.

NM_000722.4(CACNA2D1):c.2057A>T (p.Asn686Ile)

Gene: CACNA2D1 (calcium voltage-gated channel auxiliary subunit alpha2delta 1; minus strand). Cytogenetic location: 7q21.11.
Variant type: single nucleotide variant.
Coding change: c.2057A>T on transcript NM_000722.4 (MANE Select); coding-DNA position 2057, A replaced by T.
Protein change: p.Asn686Ile; replaces asparagine 686 with isoleucine.
Molecular consequence: missense variant.
Genome position (GRCh38, 1-based): chr7:81,971,861, T>A on the plus strand (A>T on the coding strand, the complement: CACNA2D1 is on the minus strand). VCF-style: chr7-81971861-T-A. GRCh37 (hg19) VCF-style: chr7-81601177-T-A.
Other names: c.2093A>T, p.Asn698Ile (NM_001366867.1); short protein forms N698I, N686I.
Identifiers: ClinVar variation 5033645 (VCV005033645.1).